The following is an entry in ClinVar:

NM_001110556.2(FLNA):c.1088A>T (p.Gln363Leu)

Gene: FLNA (filamin A; minus strand). Cytogenetic location: Xq28.
Variant type: single nucleotide variant.
Coding change: c.1088A>T on transcript NM_001110556.2 (MANE Select); coding-DNA position 1088, A replaced by T.
Protein change: p.Gln363Leu; replaces glutamine 363 with leucine.
Molecular consequence: missense variant.
Genome position (GRCh38, 1-based): chrX:154,366,448, T>A on the plus strand (A>T on the coding strand, the complement: FLNA is on the minus strand). VCF-style: chrX-154366448-T-A. GRCh37 (hg19) VCF-style: chrX-153594816-T-A.
Other names: c.1088A>T, p.Gln363Leu (NM_001456.4); short protein forms Q363L.
Identifiers: ClinVar variation 3755042 (VCV003755042.4).

ClinVar aggregate classification (germline): Conflicting classifications of pathogenicity. Review status: criteria provided, conflicting classifications (1 of 4 stars). 2 submissions from 2 submitters: Uncertain significance (1); Likely benign (1). Last evaluated 2025-02-10.

Conditions:
Oto-palato-digital syndrome, type II (OPD2). Also called: Otopalatodigital Syndrome Type 2 (FLNA-OPD2); FACIOPALATOOSSEOUS SYNDROME; OPD II SYNDROME; Otopalatodigital Syndrome, Type II. Identifiers: Orphanet 669, Orphanet 90652, MedGen C1844696, MONDO:0010571, OMIM 304120.
Heterotopia, periventricular, X-linked dominant (PVNH1). Also called: PERIVENTRICULAR NODULAR HETEROTOPIA 4; HETEROTOPIA, PERIVENTRICULAR, 1; X-linked periventricular heterotopia; PERIVENTRICULAR NODULAR HETEROTOPIA 1. Identifiers: Orphanet 2149, Orphanet 82004, MedGen C1848213, MONDO:0010233, OMIM 300049.
Melnick-Needles syndrome (MNS). Also called: Melnick-Needles Syndrome (FLNA-MNS); MELNICK-NEEDLES OSTEODYSPLASTY; OSTEODYSPLASTY OF MELNICK AND NEEDLES. Identifiers: Orphanet 2484, MedGen C0025237, MONDO:0010650, OMIM 309350.
Frontometaphyseal dysplasia (FMD1). Identifiers: Orphanet 1826, MedGen C0265293, MONDO:0015942.

gnomAD v4.1: 1 of 1,211,393 alleles (0.000083%); highest among the groups gnomAD compares: Non-Finnish European, 0.00011%; no homozygotes.

Submissions (2):

Labcorp Genetics (formerly Invitae), Labcorp
Classification: Likely benign for Oto-palato-digital syndrome, type II; Heterotopia, periventricular, X-linked dominant; Frontometaphyseal dysplasia; Melnick-Needles syndrome. Last evaluated: 2025-02-10. Review status: criteria provided, single submitter. Criteria: Invitae Variant Classification Sherloc (09022015). Collection method: clinical testing. Allele origin: germline.

Dasa
Classification: Uncertain significance. Last evaluated: 2024-11-18. Review status: criteria provided, single submitter. Criteria: DASA Assertion Criteria. Collection method: clinical testing. Allele origin: germline.
Comment: NM_001110556.2(FLNA):c.1088A>T (p.Gln363Leu) is a missense variant that results in the substitution of glutamine with leucine. This variant is rare in population databases. Computational prediction algorithms are consistent with a deleterious effect. The currently available literature and clinical evidence are not sufficient to establish a definitive association between this variant and the reported condition. Therefore, this variant is classified as a variant of uncertain significance.